The following is an entry in ClinVar:

ClinVar aggregate classification (germline): Uncertain significance (1 of 4 stars; one submission).

Allele frequency attached by ClinVar (database versions not stated): gnomAD exomes below 0.00001; TOPMed 0.00001; gnomAD 0.00002.

Submission:

Labcorp Genetics (formerly Invitae), Labcorp
Classification: Uncertain significance. Last evaluated: 2022-05-30. Review status: criteria provided, single submitter. Criteria: Invitae Variant Classification Sherloc (09022015). Collection method: clinical testing. Allele origin: germline.
Comment: This variant is present in population databases (no rsID available, gnomAD 0.01%). This sequence change replaces glutamic acid, which is acidic and polar, with lysine, which is basic and polar, at codon 1530 of the TUBGCP6 protein (p.Glu1530Lys). This variant has not been reported in the literature in individuals affected with TUBGCP6-related conditions. Algorithms developed to predict the effect of missense changes on protein structure and function are either unavailable or do not agree on the potential impact of this missense change (SIFT: "Deleterious"; PolyPhen-2: "Probably Damaging"; Align-GVGD: "Class C0"). In summary, the available evidence is currently insufficient to determine the role of this variant in disease. Therefore, it has been classified as a Variant of Uncertain Significance.

NM_020461.4(TUBGCP6):c.4588G>A (p.Glu1530Lys)

Gene: TUBGCP6 (tubulin gamma complex component 6; minus strand). Cytogenetic location: 22q13.33.
Variant type: single nucleotide variant.
Coding change: c.4588G>A on transcript NM_020461.4 (MANE Select); coding-DNA position 4588, G replaced by A.
Protein change: p.Glu1530Lys; replaces glutamic acid 1530 with lysine.
Molecular consequence: missense variant.
Genome position (GRCh38, 1-based): chr22:50,219,106, C>T on the plus strand (G>A on the coding strand, the complement: TUBGCP6 is on the minus strand). VCF-style: chr22-50219106-C-T. GRCh37 (hg19) VCF-style: chr22-50657535-C-T.
Other names: short protein forms E1530K.
Identifiers: ClinVar variation 1961751 (VCV001961751.5), dbSNP rs1016146517, ClinGen allele CA325509562.